The following is an entry in ClinVar:

NM_032608.7(MYO18B):c.4024C>T (p.Leu1342Phe)

Gene: MYO18B (myosin XVIIIB; plus strand). Cytogenetic location: 22q12.1.
Variant type: single nucleotide variant.
Coding change: c.4024C>T on transcript NM_032608.7 (MANE Select); coding-DNA position 4024, C replaced by T.
Protein change: p.Leu1342Phe; replaces leucine 1342 with phenylalanine.
Molecular consequence: missense variant.
Genome position (GRCh38, 1-based): chr22:25,874,358, C>T. VCF-style: chr22-25874358-C-T. GRCh37 (hg19) VCF-style: chr22-26270325-C-T.
Other names: c.4027C>T, p.Leu1343Phe (NM_001318245.2); c.4024C>T (NM_032608.5); short protein forms L1342F, L1343F.
Identifiers: ClinVar variation 2181268 (VCV002181268.3), dbSNP rs199977245, ClinGen allele CA10160730.

ClinVar aggregate classification (germline): Uncertain significance. Review status: criteria provided, multiple submitters, no conflicts (2 of 4 stars). 2 submissions from 2 submitters: Uncertain significance (2). Last evaluated 2025-12-24.

Conditions:
Inborn genetic diseases. Identifiers: MedGen C0950123, MeSH D030342.

Allele frequency attached by ClinVar (database versions not stated): ExAC 0.00002; gnomAD 0.00016; TOPMed 0.00021; ESP Exome Variant Server 0.00033.
gnomAD v4.1: 47 of 1,613,886 alleles (0.0029%); highest among the groups gnomAD compares: African/African-American, 0.061%; no homozygotes.

Submissions (2):

Labcorp Genetics (formerly Invitae), Labcorp
Classification: Uncertain significance. Last evaluated: 2025-12-24. Review status: criteria provided, single submitter. Criteria: Invitae Variant Classification Sherloc (09022015). Collection method: clinical testing. Allele origin: germline.
Comment: This sequence change replaces leucine, which is neutral and non-polar, with phenylalanine, which is neutral and non-polar, at codon 1342 of the MYO18B protein (p.Leu1342Phe). This variant is present in population databases (rs199977245, gnomAD 0.04%). This variant has not been reported in the literature in individuals affected with MYO18B-related conditions. ClinVar contains an entry for this variant (Variation ID: 2181268). An algorithm developed to predict the effect of missense changes on protein structure and function outputs the following: PolyPhen-2: "Benign". The phenylalanine amino acid residue is found in multiple mammalian species, which suggests that this missense change does not adversely affect protein function. In summary, the available evidence is currently insufficient to determine the role of this variant in disease. Therefore, it has been classified as a Variant of Uncertain Significance.

Ambry Genetics
Classification: Uncertain significance for Inborn genetic diseases. Last evaluated: 2025-02-18. Review status: criteria provided, single submitter. Criteria: Ambry Variant Classification Scheme 2023. Collection method: clinical testing. Allele origin: germline.